The following is an entry in ClinVar:

ClinVar aggregate classification (germline): Uncertain significance (1 of 4 stars; one submission).

Conditions:
SPI1-related condition.

Submission:

PreventionGenetics, part of Exact Sciences
Classification: Uncertain significance for SPI1-related condition. Last evaluated: 2026-03-06. Review status: criteria provided, single submitter. Criteria: ACMG Guidelines, 2015. Collection method: clinical testing. Allele origin: germline.
Comment: The SPI1 c.805C>A variant is predicted to result in the amino acid substitution p.Pro269Thr. To our knowledge, this variant has not been reported in the literature or in a large population database (gnomAD), indicating this variant is rare. At this time, the clinical significance of this variant is uncertain due to the absence of conclusive functional and genetic evidence.

NM_003120.3(SPI1):c.802C>A (p.Pro268Thr)

Gene: SPI1 (Spi-1 proto-oncogene; minus strand). Cytogenetic location: 11p11.2.
Variant type: single nucleotide variant.
Coding change: c.802C>A on transcript NM_003120.3 (MANE Select); coding-DNA position 802, C replaced by A.
Protein change: p.Pro268Thr; replaces proline 268 with threonine.
Molecular consequence: missense variant.
Genome position (GRCh38, 1-based): chr11:47,355,238, G>T on the plus strand (C>A on the coding strand, the complement: SPI1 is on the minus strand). VCF-style: chr11-47355238-G-T. GRCh37 (hg19) VCF-style: chr11-47376789-G-T.
Other names: c.805C>A, p.Pro269Thr (NM_001080547.2); short protein forms P268T, P269T.
Identifiers: ClinVar variation 3346589 (VCV003346589.2).